The following is an entry in ClinVar:

NM_014975.3(MAST1):c.4052C>T (p.Ser1351Phe)

Gene: MAST1 (microtubule associated serine/threonine kinase 1; plus strand). Cytogenetic location: 19p13.13.
Variant type: single nucleotide variant.
Coding change: c.4052C>T on transcript NM_014975.3 (MANE Select); coding-DNA position 4052, C replaced by T.
Protein change: p.Ser1351Phe; replaces serine 1351 with phenylalanine.
Molecular consequence: missense variant.
Genome position (GRCh38, 1-based): chr19:12,874,209, C>T. VCF-style: chr19-12874209-C-T. GRCh37 (hg19) VCF-style: chr19-12985023-C-T.
Other names: short protein forms S1351F.
Identifiers: ClinVar variation 2155340 (VCV002155340.4), dbSNP rs1599594430, ClinGen allele CA404289688.

ClinVar aggregate classification (germline): Uncertain significance (1 of 4 stars; one submission).

Allele frequency attached by ClinVar (database versions not stated): gnomAD exomes below 0.00001; TOPMed below 0.00001.
gnomAD v4.1: 10 of 1,545,272 alleles (0.00065%); highest among the groups gnomAD compares: African/African-American, 0.0027%; no homozygotes.

Submission:

Labcorp Genetics (formerly Invitae), Labcorp
Classification: Uncertain significance. Last evaluated: 2024-01-08. Review status: criteria provided, single submitter. Criteria: Invitae Variant Classification Sherloc (09022015). Collection method: clinical testing. Allele origin: germline.
Comment: This sequence change replaces serine, which is neutral and polar, with phenylalanine, which is neutral and non-polar, at codon 1351 of the MAST1 protein (p.Ser1351Phe). This variant is not present in population databases (gnomAD no frequency). This variant has not been reported in the literature in individuals affected with MAST1-related conditions. ClinVar contains an entry for this variant (Variation ID: 2155340). An algorithm developed to predict the effect of missense changes on protein structure and function (PolyPhen-2) suggests that this variant is likely to be tolerated. In summary, the available evidence is currently insufficient to determine the role of this variant in disease. Therefore, it has been classified as a Variant of Uncertain Significance.